The following is an entry in ClinVar:

ClinVar aggregate classification (germline): Uncertain significance (1 of 4 stars; one submission).

Submission:

Labcorp Genetics (formerly Invitae), Labcorp
Classification: Uncertain significance. Last evaluated: 2024-11-10. Review status: criteria provided, single submitter. Criteria: Invitae Variant Classification Sherloc (09022015). Collection method: clinical testing. Allele origin: germline.
Comment: This sequence change replaces aspartic acid, which is acidic and polar, with tyrosine, which is neutral and polar, at codon 268 of the POLE protein (p.Asp268Tyr). This variant is not present in population databases (gnomAD no frequency). This variant has not been reported in the literature in individuals affected with POLE-related conditions. An algorithm developed to predict the effect of missense changes on protein structure and function (PolyPhen-2) suggests that this variant is likely to be disruptive. In summary, the available evidence is currently insufficient to determine the role of this variant in disease. Therefore, it has been classified as a Variant of Uncertain Significance.

NM_006231.4(POLE):c.802G>T (p.Asp268Tyr)

Gene: POLE (DNA polymerase epsilon, catalytic subunit; minus strand). Cytogenetic location: 12q24.33.
Variant type: single nucleotide variant.
Coding change: c.802G>T on transcript NM_006231.4 (MANE Select); coding-DNA position 802, G replaced by T.
Protein change: p.Asp268Tyr; replaces aspartic acid 268 with tyrosine.
Molecular consequence: missense variant.
Genome position (GRCh38, 1-based): chr12:132,676,653, C>A on the plus strand (G>T on the coding strand, the complement: POLE is on the minus strand). VCF-style: chr12-132676653-C-A. GRCh37 (hg19) VCF-style: chr12-133253239-C-A.
Other names: short protein forms D268Y.
Identifiers: ClinVar variation 3719538 (VCV003719538.2).